The following is an entry in ClinVar:

NM_001048174.2(MUTYH):c.1343T>C (p.Leu448Pro)

Gene: MUTYH (mutY DNA glycosylase; minus strand). Cytogenetic location: 1p34.1.
Variant type: single nucleotide variant.
Coding change: c.1343T>C on transcript NM_001048174.2 (MANE Select); coding-DNA position 1343, T replaced by C.
Protein change: p.Leu448Pro; replaces leucine 448 with proline.
Molecular consequence: missense variant. On other transcripts: non-coding transcript variant (2).
Genome position (GRCh38, 1-based): chr1:45,331,231, A>G on the plus strand (T>C on the coding strand, the complement: MUTYH is on the minus strand). VCF-style: chr1-45331231-A-G. GRCh37 (hg19) VCF-style: chr1-45796903-A-G.
Other names: c.1343T>C, p.Leu448Pro (NM_001048171.2, NM_001048173.2, NM_001293195.2); c.1346T>C, p.Leu449Pro (NM_001048172.2); c.1427T>C, p.Leu476Pro (NM_001128425.2); c.1388T>C, p.Leu463Pro (NM_001293190.2); c.1376T>C, p.Leu459Pro (NM_001293191.2); c.1067T>C, p.Leu356Pro (NM_001293192.2, NM_001293196.2); c.998T>C, p.Leu333Pro (NM_001350650.2, NM_001350651.2); c.1418T>C, p.Leu473Pro (NM_012222.3); short protein forms L476P, L449P, L463P, L356P, L333P, L448P, L459P, L473P.
Identifiers: ClinVar variation 572116 (VCV000572116.10), dbSNP rs756405535, ClinGen allele CA340132604.

ClinVar aggregate classification (germline): Uncertain significance (1 of 4 stars; one submission).

Conditions:
Familial adenomatous polyposis 2. Also called: MYH-associated polyposis; FAP type 2; COLORECTAL ADENOMATOUS POLYPOSIS, AUTOSOMAL RECESSIVE; ADENOMAS, MULTIPLE COLORECTAL, AUTOSOMAL RECESSIVE; MUTYH-related attenuated familial adenomatous polyposis; MUTYH Polyposis. Identifiers: Orphanet 220460, Orphanet 247798, MedGen C3272841, MONDO:0012041, OMIM 608456.

Submission:

Labcorp Genetics (formerly Invitae), Labcorp
Classification: Uncertain significance for Familial adenomatous polyposis 2. Last evaluated: 2023-03-16. Review status: criteria provided, single submitter. Criteria: Invitae Variant Classification Sherloc (09022015). Collection method: clinical testing. Allele origin: germline.
Comment: This missense change has been observed in individual(s) with clinical features of MUTYH-related conditions (Invitae). In summary, the available evidence is currently insufficient to determine the role of this variant in disease. Therefore, it has been classified as a Variant of Uncertain Significance. An algorithm developed to predict the effect of missense changes on protein structure and function (PolyPhen-2) suggests that this variant is likely to be disruptive. ClinVar contains an entry for this variant (Variation ID: 572116). This variant is not present in population databases (gnomAD no frequency). This sequence change replaces leucine, which is neutral and non-polar, with proline, which is neutral and non-polar, at codon 476 of the MUTYH protein (p.Leu476Pro).